The following is an entry in ClinVar:

NM_145331.3(MAP3K7):c.1282G>A (p.Val428Ile)

Gene: MAP3K7 (mitogen-activated protein kinase kinase kinase 7; minus strand). Cytogenetic location: 6q15.
Variant type: single nucleotide variant.
Coding change: c.1282G>A on transcript NM_145331.3 (MANE Select); coding-DNA position 1282, G replaced by A.
Protein change: p.Val428Ile; replaces valine 428 with isoleucine.
Molecular consequence: missense variant. On other transcripts: intron variant (2).
Genome position (GRCh38, 1-based): chr6:90,544,561, C>T on the plus strand (G>A on the coding strand, the complement: MAP3K7 is on the minus strand). VCF-style: chr6-90544561-C-T. GRCh37 (hg19) VCF-style: chr6-91254280-C-T.
Other names: c.1282G>A, p.Val428Ile (NM_145332.3); c.1210+2697G>A (NM_145333.3, NM_003188.4); c.1282G>A (NM_145331.2, NM_145331.1); short protein forms V428I.
Identifiers: ClinVar variation 1154316 (VCV001154316.15), dbSNP rs147070999, ClinGen allele CA3928405.

ClinVar aggregate classification (germline): Conflicting classifications of pathogenicity. Review status: criteria provided, conflicting classifications (1 of 4 stars). 5 submissions from 5 submitters: Uncertain significance (1); Likely benign (3). 1 of the submissions does not count toward it. Last evaluated 2026-04-01.

Conditions:
MAP3K7-related disorder.
Inborn genetic diseases. Identifiers: MedGen C0950123, MeSH D030342.

Allele frequency attached by ClinVar (database versions not stated): 1000 Genomes Project 0.00020; 1000 Genomes Project 30x 0.00031; ExAC 0.00039; gnomAD exomes 0.00041 and 0.00090; gnomAD 0.00053 and 0.00054; TOPMed 0.00064; ESP Exome Variant Server 0.00077.
gnomAD v4.1: 1,405 of 1,612,014 alleles (0.087%); highest among the groups gnomAD compares: Non-Finnish European, 0.11%; no homozygotes.

Submissions (5):

CeGaT Center for Human Genetics Tuebingen
Classification: Likely benign. Last evaluated: 2026-04-01. Review status: criteria provided, single submitter. Criteria: CeGaT Center For Human Genetics Tuebingen Variant Classification Criteria Version 2. Collection method: clinical testing. Allele origin: germline. Affected: yes. Observed: 1 variant allele.
Comment: MAP3K7: BP4, BS1

Labcorp Genetics (formerly Invitae), Labcorp
Classification: Likely benign. Last evaluated: 2025-11-17. Review status: criteria provided, single submitter. Criteria: Invitae Variant Classification Sherloc (09022015). Collection method: clinical testing. Allele origin: germline.

Blueprint Genetics
Classification: Likely benign. Last evaluated: 2024-11-15. Review status: criteria provided, single submitter. Criteria: ACMG Guidelines, 2015. Collection method: clinical testing. Allele origin: germline.

Ambry Genetics
Classification: Uncertain significance for Inborn genetic diseases. Last evaluated: 2021-09-01. Review status: criteria provided, single submitter. Criteria: Ambry Variant Classification Scheme 2023. Collection method: clinical testing. Allele origin: germline.

PreventionGenetics, part of Exact Sciences
Classification: Likely benign for MAP3K7-related condition. Last evaluated: 2019-03-28. Review status: no assertion criteria provided. Collection method: clinical testing. Allele origin: germline. Not counted in ClinVar's aggregate classification.
Comment: This variant is classified as likely benign based on ACMG/AMP sequence variant interpretation guidelines (Richards et al. 2015 PMID: 25741868, with internal and published modifications).